The following is an entry in ClinVar:

NM_002519.3(NPAT):c.1307A>G (p.Gln436Arg)

Gene: NPAT (nuclear protein, coactivator of histone transcription; minus strand). Cytogenetic location: 11q22.3.
Variant type: single nucleotide variant.
Coding change: c.1307A>G on transcript NM_002519.3 (MANE Select); coding-DNA position 1307, A replaced by G.
Protein change: p.Gln436Arg; replaces glutamine 436 with arginine.
Molecular consequence: missense variant.
Genome position (GRCh38, 1-based): chr11:108,173,677, T>C on the plus strand (A>G on the coding strand, the complement: NPAT is on the minus strand). VCF-style: chr11-108173677-T-C. GRCh37 (hg19) VCF-style: chr11-108044404-T-C.
Other names: c.1307A>G, p.Gln436Arg (NM_001321307.1); short protein forms Q436R.
Identifiers: ClinVar variation 2561420 (VCV002561420.2), dbSNP rs769236809, ClinGen allele CA6264025.

ClinVar aggregate classification (germline): Uncertain significance (1 of 4 stars; one submission).

Allele frequency attached by ClinVar (database versions not stated): gnomAD exomes below 0.00001; ExAC 0.00001.
gnomAD v4.1: 1 of 1,614,218 alleles (0.000062%); highest among the groups gnomAD compares: East Asian, 0.0022%; no homozygotes.

Submission:

Ambry Genetics
Classification: Uncertain significance. Last evaluated: 2023-04-07. Review status: criteria provided, single submitter. Criteria: Ambry Variant Classification Scheme 2023. Collection method: clinical testing. Allele origin: germline.
Comment: The p.Q436R variant (also known as c.1307A>G), located in coding exon 13 of the NPAT gene, results from an A to G substitution at nucleotide position 1307. The glutamine at codon 436 is replaced by arginine, an amino acid with highly similar properties. This amino acid position is conserved. In addition, this alteration is predicted to be tolerated by in silico analysis. Since supporting evidence is limited at this time, the clinical significance of this alteration remains unclear.